The following is an entry in ClinVar:

ClinVar aggregate classification (germline): Uncertain significance. Review status: criteria provided, multiple submitters, no conflicts (2 of 4 stars). 2 submissions from 2 submitters: Uncertain significance (2). Last evaluated 2025-09-02.

Conditions:
ELOVL4-related disorder. Also called: ELOVL4-related disorders; ELOVL4-related condition.

gnomAD v4.1: 8 of 1,613,916 alleles (0.0005%); highest among the groups gnomAD compares: Admixed American, 0.0033%; no homozygotes.

Submissions (2):

Labcorp Genetics (formerly Invitae), Labcorp
Classification: Uncertain significance. Last evaluated: 2025-09-02. Review status: criteria provided, single submitter. Criteria: Invitae Variant Classification Sherloc (09022015). Collection method: clinical testing. Allele origin: germline.
Comment: This sequence change replaces arginine, which is basic and polar, with tryptophan, which is neutral and slightly polar, at codon 268 of the ELOVL4 protein (p.Arg268Trp). This variant is present in population databases (no rsID available, gnomAD 0.007%). This variant has not been reported in the literature in individuals affected with ELOVL4-related conditions. ClinVar contains an entry for this variant (Variation ID: 1370413). Invitae Evidence Modeling of protein sequence and biophysical properties (such as structural, functional, and spatial information, amino acid conservation, physicochemical variation, residue mobility, and thermodynamic stability) indicates that this missense variant is not expected to disrupt ELOVL4 protein function with a negative predictive value of 80%. In summary, the available evidence is currently insufficient to determine the role of this variant in disease. Therefore, it has been classified as a Variant of Uncertain Significance.

PreventionGenetics, part of Exact Sciences
Classification: Uncertain significance for ELOVL4-related condition. Last evaluated: 2025-06-14. Review status: criteria provided, single submitter. Criteria: ACMG Guidelines, 2015. Collection method: clinical testing. Allele origin: germline.
Comment: The ELOVL4 c.802C>T variant is predicted to result in the amino acid substitution p.Arg268Trp. To our knowledge, this variant has not been reported in the literature. This variant is reported in 0.0062% of alleles in individuals of African descent in gnomAD. At this time, the clinical significance of this variant is uncertain due to the absence of conclusive functional and genetic evidence.

NM_022726.4(ELOVL4):c.802C>T (p.Arg268Trp)

Gene: ELOVL4 (ELOVL fatty acid elongase 4; minus strand). Cytogenetic location: 6q14.1.
Variant type: single nucleotide variant.
Coding change: c.802C>T on transcript NM_022726.4 (MANE Select); coding-DNA position 802, C replaced by T.
Protein change: p.Arg268Trp; replaces arginine 268 with tryptophan.
Molecular consequence: missense variant.
Genome position (GRCh38, 1-based): chr6:79,916,751, G>A on the plus strand (C>T on the coding strand, the complement: ELOVL4 is on the minus strand). VCF-style: chr6-79916751-G-A. GRCh37 (hg19) VCF-style: chr6-80626468-G-A.
Other names: c.802C>T (NM_022726.3); short protein forms R268W.
Identifiers: ClinVar variation 1370413 (VCV001370413.7), dbSNP rs978619635, ClinGen allele CA364655811.